The following is an entry in ClinVar:

ClinVar aggregate classification (germline): Likely benign. Review status: criteria provided, multiple submitters, no conflicts (2 of 4 stars). 2 submissions from 2 submitters: Likely benign (2). Last evaluated 2025-08-11.

Conditions:
Autosomal dominant nonsyndromic hearing loss 20. Identifiers: Orphanet 90635, MedGen C1858172, MONDO:0011480, OMIM 604717.
Baraitser-winter syndrome 2. Identifiers: Orphanet 2995, MedGen C3281235, MONDO:0013812, OMIM 614583.

Allele frequency attached by ClinVar (database versions not stated): gnomAD exomes below 0.00001; gnomAD 0.00001; TOPMed 0.00001.

Submissions (2):

Labcorp Genetics (formerly Invitae), Labcorp
Classification: Likely benign for Baraitser-winter syndrome 2; Autosomal dominant nonsyndromic hearing loss 20. Last evaluated: 2025-08-11. Review status: criteria provided, single submitter. Criteria: Invitae Variant Classification Sherloc (09022015). Collection method: clinical testing. Allele origin: germline.

Laboratory for Molecular Medicine, Mass General Brigham Personalized Medicine
Classification: Likely benign. Last evaluated: 2016-06-23. Review status: criteria provided, single submitter. Criteria: LMM Criteria. Collection method: clinical testing. Allele origin: germline. Observed: 1 variant allele.
Comment: p.Lys50Lys in exon 3 of ACTG1: This variant is not expected to have clinical sig nificance because it does not alter an amino acid residue and is not located wit hin the splice consensus sequence.

NM_001614.5(ACTG1):c.150G>A (p.Lys50=)

Gene: ACTG1 (actin gamma 1; minus strand). Cytogenetic location: 17q25.3.
Variant type: single nucleotide variant.
Coding change: c.150G>A on transcript NM_001614.5 (MANE Select); coding-DNA position 150, G replaced by A.
Protein change: p.Lys50=; no amino-acid change (lysine 50 retained).
Molecular consequence: synonymous variant. On other transcripts: non-coding transcript variant (1).
Genome position (GRCh38, 1-based): chr17:81,512,116, C>T on the plus strand (G>A on the coding strand, the complement: ACTG1 is on the minus strand). VCF-style: chr17-81512116-C-T. GRCh37 (hg19) VCF-style: chr17-79479142-C-T.
Other names: c.150G>A, p.Lys50= (NM_001199954.3).
Identifiers: ClinVar variation 505182 (VCV000505182.6), dbSNP rs1482374138, ClinGen allele CA401463297.
Genomic context (GRCh38, chr17:81,512,116, plus strand): 5'-GGGGTACTTCAGGGTCAGGATGCCACGCTTGCTCTGGGCCTCGTCGCCCACGTAGGAGTC[C>T]TTCTGGCCCATGCCCACCATGACGCCCTGCAGGGGACGACCCGTCAGCCTCGCCGGCGAC-3'
Protein context (NP_001605.1, residues 40-60): HQGVMVGMGQ[Lys50=]DSYVGDEAQS